The following is an entry in ClinVar:

NM_015662.3(IFT172):c.4550T>C (p.Leu1517Pro)

Gene: IFT172 (intraflagellar transport 172; minus strand). Cytogenetic location: 2p23.3.
Variant type: single nucleotide variant.
Coding change: c.4550T>C on transcript NM_015662.3 (MANE Select); coding-DNA position 4550, T replaced by C.
Protein change: p.Leu1517Pro; replaces leucine 1517 with proline.
Molecular consequence: missense variant.
Genome position (GRCh38, 1-based): chr2:27,447,624, A>G on the plus strand (T>C on the coding strand, the complement: IFT172 is on the minus strand). VCF-style: chr2-27447624-A-G. GRCh37 (hg19) VCF-style: chr2-27670491-A-G.
Other names: c.4484T>C, p.Leu1495Pro (NM_001410739.1); short protein forms L1517P, L1495P.
Identifiers: ClinVar variation 4981516 (VCV004981516.1).

ClinVar aggregate classification (germline): Uncertain significance (1 of 4 stars; one submission).

Conditions:
IFT172-related disorder. Also called: IFT172-related condition; IFT172-related disorders.

gnomAD v4.1: 8 of 1,614,030 alleles (0.0005%); highest among the groups gnomAD compares: African/African-American, 0.0013%; no homozygotes.

Submission:

PreventionGenetics, part of Exact Sciences
Classification: Uncertain significance for IFT172-related condition. Last evaluated: 2024-11-01. Review status: criteria provided, single submitter. Criteria: ACMG Guidelines, 2015. Collection method: clinical testing. Allele origin: germline.
Comment: The IFT172 c.4550T>C variant is predicted to result in the amino acid substitution p.Leu1517Pro. To our knowledge, this variant has not been reported in the literature. This variant is reported in 0.0065% of alleles in individuals of European (Non-Finnish) descent in gnomAD. At this time, the clinical significance of this variant is uncertain due to the absence of conclusive functional and genetic evidence.